The following is an entry in ClinVar:

ClinVar aggregate classification (germline): Conflicting classifications of pathogenicity. Review status: criteria provided, conflicting classifications (1 of 4 stars). 2 submissions from 2 submitters: Uncertain significance (1); Likely benign (1). Last evaluated 2019-10-03.

Conditions:
Cardiovascular phenotype. Identifiers: MedGen CN230736.

Allele frequency attached by ClinVar (database versions not stated): TOPMed 0.00003; gnomAD 0.00001; gnomAD exomes 0.00001.
gnomAD v4.1: 6 of 1,613,422 alleles (0.00037%); highest among the groups gnomAD compares: African/African-American, 0.0067%; no homozygotes.

Submissions (2):

Ambry Genetics
Classification: Uncertain significance for Cardiovascular phenotype. Last evaluated: 2019-10-03. Review status: criteria provided, single submitter. Criteria: Ambry Variant Classification Scheme 2023. Collection method: clinical testing. Allele origin: germline.
Comment: The p.T14127I variant (also known as c.42380C>T), located in coding exon 152 of the TTN gene, results from a C to T substitution at nucleotide position 42380. The threonine at codon 14127 is replaced by isoleucine, an amino acid with similar properties. This amino acid position is not well conserved in available vertebrate species. In addition, this alteration is predicted to be tolerated by in silico analysis. Since supporting evidence is limited at this time, the clinical significance of this alteration remains unclear.

GeneDx
Classification: Likely benign. Last evaluated: 2017-05-30. Review status: criteria provided, single submitter. Criteria: GeneDx Variant Classification (06012015). Collection method: clinical testing. Allele origin: germline. Affected: yes.
Comment: This variant is considered likely benign or benign based on one or more of the following criteria: it is a conservative change, it occurs at a poorly conserved position in the protein, it is predicted to be benign by multiple in silico algorithms, and/or has population frequency not consistent with disease.

NM_001267550.2(TTN):c.69575C>T (p.Thr23192Ile)

Genes: TTN (titin; minus strand), TTN-AS1 (TTN antisense RNA 1; plus strand), LOC126806422 (BRD4-independent group 4 enhancer GRCh37_chr2:179440205-179441404; plus strand). Cytogenetic location: 2q31.2.
Variant type: single nucleotide variant.
Coding change: c.69575C>T on transcript NM_001267550.2 (MANE Select); coding-DNA position 69575, C replaced by T.
Protein change: p.Thr23192Ile; replaces threonine 23192 with isoleucine.
Molecular consequence: missense variant.
Genome position (GRCh38, 1-based): chr2:178,576,669, G>A on the plus strand (C>T on the coding strand, the complement: TTN is on the minus strand). VCF-style: chr2-178576669-G-A. GRCh37 (hg19) VCF-style: chr2-179441396-G-A.
Other names: c.64652C>T, p.Thr21551Ile (NM_001256850.1); c.42380C>T, p.Thr14127Ile (NM_003319.4); c.61871C>T, p.Thr20624Ile (NM_133378.4); c.42755C>T, p.Thr14252Ile (NM_133432.3); c.42956C>T, p.Thr14319Ile (NM_133437.4); short protein forms T21551I, T23192I, T14127I, T20624I, T14319I, T14252I.
Identifiers: ClinVar variation 510009 (VCV000510009.3), dbSNP rs1319888327, ClinGen allele CA349667482.
Genomic context (GRCh38, chr2:178,576,669, plus strand): 5'-AATTCGTAGGTGCTTCCTTCTTGCAGTCCTGTTACTTTGCACCTGAGATCGGAAACTGGT[G>A]TTTTTATTGCTCTCACCCATCGCAGGCTTTTCTTTTCTCTCCTTTCTACATGATATCCTG-3'
Protein context (NP_001254479.2, residues 23182-23202): KSLRWVRAIK[Thr23192Ile]PVSDLRCKVT